The following is an entry in ClinVar:

NM_017739.4(POMGNT1):c.1365del (p.Arg455fs)

Genes: POMGNT1 (protein O-linked mannose N-acetylglucosaminyltransferase 1 (beta 1,2-); minus strand), TSPAN1 (tetraspanin 1; plus strand). Cytogenetic location: 1p34.1.
Variant type: Deletion.
Coding change: c.1365del on transcript NM_017739.4 (MANE Select); coding-DNA position 1365, one base deleted (G; older notation c.1365delG).
Protein change: p.Arg455fs; shifts the reading frame from arginine 455.
Molecular consequence: frameshift variant.
Genome position (GRCh38, 1-based): chr1:46,192,356, C deleted on the plus strand (G on the coding strand, the reverse complement: POMGNT1 is on the minus strand); the first of 2 consecutive C bases (chr1:46,192,356-46,192,357); deleting either gives the same sequence. VCF-style (leftmost placement, unchanged base first): chr1-46192355-AC-A. GRCh37 (hg19) VCF-style: chr1-46658027-AC-A.
Other names: c.1365del, p.Arg455fs (NM_001243766.2, NM_001410783.1); c.1298delG, p.Arg433Serfs (NM_001290129.3); c.936del, p.Arg312fs (NM_001290130.2); short protein forms R433fs, R312fs, R455fs.
Identifiers: ClinVar variation 1355167 (VCV001355167.6), dbSNP rs2148185606, ClinGen allele CA2573131945.
Genomic context (GRCh38, chr1:46,192,355, plus strand): 5'-CCCTGACAGTTACCTTTTCCGGTGTAGGCCACTTGGGCTCAAGCTCCTCCTTGTACAAGG[AC>A]CTCCTGAGCACCCAGCCCAGCCCAGGCATGGTCTCCACACGGTACAGTAGTGCTGGGTCC-3'

ClinVar aggregate classification (germline): Pathogenic (1 of 4 stars; one submission).

Conditions:
Autosomal recessive limb-girdle muscular dystrophy type 2O. Also called: Limb-Girdle Muscular Dystrophy Type 3C; MUSCULAR DYSTROPHY-DYSTROGLYCANOPATHY (LIMB-GIRDLE), TYPE C, 3; MUSCULAR DYSTROPHY-DYSTROGLYCANOPATHY, LIMB-GIRDLE, POMGNT1-RELATED. Identifiers: Orphanet 206564, MedGen C3150417, MONDO:0013161, OMIM 613157.
Muscular dystrophy-dystroglycanopathy (congenital with impaired intellectual development), type B, 3. Also called: MUSCULAR DYSTROPHY, CONGENITAL, POMGNT1-RELATED; Muscular dystrophy-dystroglycanopathy (congenital with intellectual disability), type B3. Identifiers: MedGen C3150412, MONDO:0013155, OMIM 613151.

Submission:

Labcorp Genetics (formerly Invitae), Labcorp
Classification: Pathogenic for Autosomal recessive limb-girdle muscular dystrophy type 2O; Muscular dystrophy-dystroglycanopathy (congenital with impaired intellectual development), type B, 3. Last evaluated: 2022-05-06. Review status: criteria provided, single submitter. Criteria: Invitae Variant Classification Sherloc (09022015). Collection method: clinical testing. Allele origin: germline.
Comment: This variant has not been reported in the literature in individuals affected with POMGNT1-related conditions. For these reasons, this variant has been classified as Pathogenic. This variant is not present in population databases (gnomAD no frequency). This sequence change creates a premature translational stop signal (p.Arg455Serfs*54) in the POMGNT1 gene. It is expected to result in an absent or disrupted protein product. Loss-of-function variants in POMGNT1 are known to be pathogenic (PMID: 19299310, 20816175, 21447391, 26908613, 27391550).

Literature cited by the submitters: PubMed 19299310; PubMed 20816175; PubMed 21447391; PubMed 26908613; PubMed 27391550.